The following is an entry in ClinVar:

NM_182914.3(SYNE2):c.12766A>C (p.Asn4256His)

Gene: SYNE2 (spectrin repeat containing nuclear envelope protein 2; plus strand). Cytogenetic location: 14q23.2.
Variant type: single nucleotide variant.
Coding change: c.12766A>C on transcript NM_182914.3 (MANE Select); coding-DNA position 12766, A replaced by C.
Protein change: p.Asn4256His; replaces asparagine 4256 with histidine.
Molecular consequence: missense variant.
Genome position (GRCh38, 1-based): chr14:64,113,497, A>C. VCF-style: chr14-64113497-A-C. GRCh37 (hg19) VCF-style: chr14-64580215-A-C.
Other names: c.12766A>C, p.Asn4256His (NM_015180.6); short protein forms N4256H.
Identifiers: ClinVar variation 2840157 (VCV002840157.3), dbSNP rs539724577, ClinGen allele CA261835677.
Genomic context (GRCh38, chr14:64,113,497, plus strand): 5'-GAAGTCCTGCATGCCTGCAAGACCCAGGTGGCCGAGCTGGAGCTGTGGCTGCAACAAGCC[A>C]ACGTGGCAGTTGAGCCGGAAACATTAAACGCAGACATGCAGCAGGTGCTGGAACAGCAGC-3'
Protein context (NP_878918.2, residues 4246-4266): AELELWLQQA[Asn4256His]VAVEPETLNA

ClinVar aggregate classification (germline): Uncertain significance (1 of 4 stars; one submission).

Conditions:
Emery-Dreifuss muscular dystrophy 5, autosomal dominant (EDMD5). Also called: EMERY-DREIFUSS MUSCULAR DYSTROPHY 5. Identifiers: Orphanet 261, MedGen C2751805, MONDO:0013072, OMIM 612999.

Allele frequency attached by ClinVar (database versions not stated): gnomAD exomes below 0.00001; gnomAD 0.00001.
gnomAD v4.1: 4 of 1,614,022 alleles (0.00025%); highest among the groups gnomAD compares: Non-Finnish European, 0.00025%; no homozygotes.

Submission:

Labcorp Genetics (formerly Invitae), Labcorp
Classification: Uncertain significance for Emery-Dreifuss muscular dystrophy 5, autosomal dominant. Last evaluated: 2023-02-23. Review status: criteria provided, single submitter. Criteria: Invitae Variant Classification Sherloc (09022015). Collection method: clinical testing. Allele origin: germline.
Comment: In summary, the available evidence is currently insufficient to determine the role of this variant in disease. Therefore, it has been classified as a Variant of Uncertain Significance. An algorithm developed to predict the effect of missense changes on protein structure and function (PolyPhen-2) suggests that this variant is likely to be disruptive. This variant has not been reported in the literature in individuals affected with SYNE2-related conditions. This variant is not present in population databases (gnomAD no frequency). This sequence change replaces asparagine, which is neutral and polar, with histidine, which is basic and polar, at codon 4256 of the SYNE2 protein (p.Asn4256His).